The following is an entry in ClinVar:

ClinVar aggregate classification (germline): Uncertain significance. Review status: criteria provided, multiple submitters, no conflicts (2 of 4 stars). 2 submissions from 2 submitters: Uncertain significance (2). Last evaluated 2023-06-07.

Conditions:
Inborn genetic diseases. Identifiers: MedGen C0950123, MeSH D030342.
Dystonia 30. Identifiers: MedGen C5543312, MONDO:0025691, OMIM 619291.

Allele frequency attached by ClinVar (database versions not stated): ESP Exome Variant Server 0.00008.

Submissions (2):

Ambry Genetics
Classification: Uncertain significance for Inborn genetic diseases. Last evaluated: 2023-06-07. Review status: criteria provided, single submitter. Criteria: Ambry Variant Classification Scheme 2023. Collection method: clinical testing. Allele origin: germline.

Foundation for Research in Genetics and Endocrinology, FRIGE's Institute of Human Genetics
Classification: Uncertain significance for Dystonia 30. Last evaluated: 2022-10-31. Review status: criteria provided, single submitter. Criteria: ACMG Guidelines, 2015. Collection method: clinical testing. Allele origin: germline. Inheritance: Autosomal dominant inheritance. Affected: yes. Observed: 1 heterozygote.
Comment: A heterozygous missense variation in exon 8 of the VPS16 gene that results in a amino acid substitution of Tryptophan for Arginine at codon 262 was detected. This variant has not been reported in the 1000 genomes databases and has a minor allele frequency of 0.010% in the gnomAD database. The reference region is conserved across species. In summary, the variant meets our criteria to be classified as uncertain significance.

NM_022575.4(VPS16):c.784C>T (p.Arg262Trp)

Gene: VPS16 (VPS16 core subunit of CORVET and HOPS complexes; plus strand). Cytogenetic location: 20p13.
Variant type: single nucleotide variant.
Coding change: c.784C>T on transcript NM_022575.4 (MANE Select); coding-DNA position 784, C replaced by T.
Protein change: p.Arg262Trp; replaces arginine 262 with tryptophan.
Molecular consequence: missense variant.
Genome position (GRCh38, 1-based): chr20:2,861,255, C>T. VCF-style: chr20-2861255-C-T. GRCh37 (hg19) VCF-style: chr20-2841901-C-T.
Other names: p.Arg262Trp; c.784C>T, p.Arg262Trp (NM_080413.3); c.784C>T (NM_022575.2); short protein forms R262W.
Identifiers: ClinVar variation 1804162 (VCV001804162.5), dbSNP rs376818050, ClinGen allele CA9737463.